The following is an entry in ClinVar:

NM_002834.5(PTPN11):c.220_221dup (p.Leu74fs)

Gene: PTPN11 (protein tyrosine phosphatase non-receptor type 11; plus strand). Cytogenetic location: 12q24.13.
Variant type: Duplication.
Coding change: c.220_221dup on transcript NM_002834.5 (MANE Select); coding-DNA positions 220 to 221, 2 bases duplicated (TT; older notation c.220_221dupTT).
Protein change: p.Leu74fs; shifts the reading frame from leucine 74.
Molecular consequence: frameshift variant.
Genome position (GRCh38, 1-based): chr12:112,450,400-112,450,401, TT duplicated; duplicating any 2 consecutive bases within chr12:112,450,399-112,450,401 gives the same sequence; the c. name uses the placement nearest the transcript's 3' end. VCF-style (leftmost placement, unchanged base first): chr12-112450398-C-CTT. GRCh37 (hg19) VCF-style: chr12-112888202-C-CTT.
Other names: c.220_221dup, p.Leu74fs (NM_001330437.2, NM_080601.3); c.217_218dup, p.Leu73fs (NM_001374625.1); short protein forms L73fs, L74fs.
Identifiers: ClinVar variation 1374451 (VCV001374451.6), dbSNP rs2135862367, ClinGen allele CA2573148013.

ClinVar aggregate classification (germline): Pathogenic (1 of 4 stars; one submission).

Conditions:
RASopathy. Also called: Noonan spectrum disorder; rasopathies. Identifiers: Orphanet 536391, MedGen C5555857, MONDO:0021060.

Submission:

Labcorp Genetics (formerly Invitae), Labcorp
Classification: Pathogenic for RASopathy. Last evaluated: 2021-02-17. Review status: criteria provided, single submitter. Criteria: Invitae Variant Classification Sherloc (09022015). Collection method: clinical testing. Allele origin: germline.
Comment: For these reasons, this variant has been classified as Pathogenic. This variant has not been reported in the literature in individuals with PTPN11-related conditions. This variant is not present in population databases (ExAC no frequency). This sequence change creates a premature translational stop signal (p.Leu74Phefs*16) in the PTPN11 gene. It is expected to result in an absent or disrupted protein product. Loss-of-function variants in PTPN11 are known to be pathogenic (PMID: 20577567, 21533187).

Literature cited by the submitters: PubMed 20577567; PubMed 21533187.